The following is an entry in ClinVar:

NM_007294.4(BRCA1):c.3005del (p.Asn1002fs)

Gene: BRCA1 (BRCA1 DNA repair associated; minus strand). Cytogenetic location: 17q21.31.
Variant type: Deletion.
Coding change: c.3005del on transcript NM_007294.4 (MANE Select); coding-DNA position 3005, one base deleted (A; older notation c.3005delA).
Protein change: p.Asn1002fs; shifts the reading frame from asparagine 1002.
Molecular consequence: frameshift variant. On other transcripts: intron variant (137).
Genome position (GRCh38, 1-based): chr17:43,092,526, T deleted on the plus strand (A on the coding strand, the reverse complement: BRCA1 is on the minus strand); the first of 4 consecutive T bases (chr17:43,092,526-43,092,529); deleting any one gives the same sequence. VCF-style (leftmost placement, unchanged base first): chr17-43092525-GT-G. GRCh37 (hg19) VCF-style: chr17-41244542-GT-G.
Other names: 3121delA; 3124delA; c.2792del, p.Asn931fs (NM_001407571.1, NM_001407853.1, NM_001407894.1 and 9 more transcripts); c.3005del, p.Asn1002fs (NM_001407581.1, NM_001407582.1, NM_001407583.1 and 30 more transcripts); c.3002del, p.Asn1001fs (NM_001407587.1, NM_001407590.1, NM_001407591.1 and 22 more transcripts); c.2882del, p.Asn961fs (NM_001407648.1, NM_001407664.1, NM_001407665.1 and 19 more transcripts); c.2879del, p.Asn960fs (NM_001407649.1, NM_001407670.1, NM_001407671.1 and 11 more transcripts); c.2927del, p.Asn976fs (NM_001407653.1, NM_001407654.1, NM_001407655.1 and 4 more transcripts); and 45 more; short protein forms N1002fs, N955fs, N834fs, N913fs, N1001fs, N874fs, N890fs, N934fs.
Identifiers: ClinVar variation 17669 (VCV000017669.37), dbSNP rs80357601, ClinGen allele CA001956.

ClinVar aggregate classification (germline): Pathogenic. Review status: reviewed by expert panel (3 of 4 stars). 20 submissions from 20 submitters: Pathogenic (1). 19 of the submissions do not count toward it. Last evaluated 2016-09-08.

Conditions:
Hereditary cancer-predisposing syndrome. Also called: Neoplastic Syndromes, Hereditary; Tumor predisposition; Hereditary Cancer Syndrome; Hereditary neoplastic syndrome. Identifiers: Orphanet 140162, MedGen C0027672, MeSH D009386, MONDO:0015356.
Hereditary breast ovarian cancer syndrome. Also called: Hereditary breast and ovarian cancer; Hereditary breast and ovarian cancer syndrome; Hereditary breast and ovarian cancer syndrome (HBOC); Hereditary breast and/or ovarian cancer syndrome; Breast and ovarian cancer; BRCA1- and BRCA2-Associated Hereditary Breast and Ovarian Cancer. Identifiers: Orphanet 145, MedGen C0677776, MeSH D061325, MONDO:0003582. Disease mechanism: loss of function.
Breast-ovarian cancer, familial, susceptibility to, 1 (BROVCA1). Also called: BRCA1 Hereditary Breast and Ovarian Cancer; OVARIAN CANCER, SUSCEPTIBILITY TO. Identifiers: Orphanet 145, MedGen C2676676, MONDO:0011450, OMIM 604370. Disease mechanism: loss of function.

Submissions 1 to 10 of 20:

Evidence-based Network for the Interpretation of Germline Mutant Alleles (ENIGMA)
Classification: Pathogenic for Breast-ovarian cancer, familial, susceptibility to, 1. Last evaluated: 2016-09-08. Review status: reviewed by expert panel. Criteria: ENIGMA BRCA1/2 Classification Criteria (2015). Collection method: curation. Allele origin: germline.
Comment: Variant allele predicted to encode a truncated non-functional protein.

Labcorp Genetics (formerly Invitae), Labcorp
Classification: Pathogenic for Hereditary breast ovarian cancer syndrome. Last evaluated: 2025-11-18. Review status: criteria provided, single submitter. Criteria: Invitae Variant Classification Sherloc (09022015). Collection method: clinical testing. Allele origin: germline. Not counted in ClinVar's aggregate classification.
Comment: This sequence change creates a premature translational stop signal (p.Asn1002Thrfs*22) in the BRCA1 gene. It is expected to result in an absent or disrupted protein product. Loss-of-function variants in BRCA1 are known to be pathogenic (PMID: 20104584). This variant is not present in population databases (gnomAD no frequency). This premature translational stop signal has been observed in individual(s) with breast and ovarian cancer (PMID: 7894492, 17688236, 20104584, 24728189, 25452441). This variant is also known as 3121delA or 3124delA. ClinVar contains an entry for this variant (Variation ID: 17669). For these reasons, this variant has been classified as Pathogenic.

Ambry Genetics
Classification: Pathogenic for Hereditary cancer-predisposing syndrome. Last evaluated: 2025-04-03. Review status: criteria provided, single submitter. Criteria: Ambry Variant Classification Scheme 2023. Collection method: clinical testing. Allele origin: germline. Not counted in ClinVar's aggregate classification.
Comment: The c.3005delA pathogenic mutation, located in coding exon 9 of the BRCA1 gene, results from a deletion of one nucleotide at nucleotide position 3005, causing a translational frameshift with a predicted alternate stop codon (p.N1002Tfs*22). This mutation has been reported in multiple individuals with personal and/or family history of breast and/or ovarian cancer (Simard J et al. Nat. Genet., 1994 Dec;8:392-8; Ramus SJ et al. Hum. Mutat., 2007 Dec;28:1207-15; Borg A et al. Hum. Mutat., 2010 Mar;31:E1200-40;Song H et al. Hum. Mol. Genet., 2014 Sep;23:4703-9; Couch FJ et al. J. Clin. Oncol., 2015 Feb;33:304-11). In addition to the clinical data presented in the literature, this alteration is expected to result in loss of function by premature protein truncation or nonsense-mediated mRNA decay. As such, this alteration is interpreted as a disease-causing mutation.

Baylor Genetics
Classification: Pathogenic for Breast-ovarian cancer, familial, susceptibility to, 1. Last evaluated: 2023-10-18. Review status: criteria provided, single submitter. Criteria: ACMG Guidelines, 2015. Collection method: clinical testing. Allele origin: unknown. Not counted in ClinVar's aggregate classification.

Quest Diagnostics Nichols Institute San Juan Capistrano
Classification: Pathogenic. Last evaluated: 2023-09-20. Review status: criteria provided, single submitter. Criteria: Quest Diagnostics criteria. Collection method: clinical testing. Allele origin: unknown. Not counted in ClinVar's aggregate classification.
Comment: The BRCA1 c.3005del (p.Asn1002Thrfs*22) variant alters the translational reading frame of the BRCA1 mRNA and causes the premature termination of BRCA1 protein synthesis. This variant has been reported in the published literature in individuals affected with breast and/or ovarian cancer (PMIDs: 25452441 (2015), 24728189 (2014), 20104584 (2010)). The frequency of this variant in the general population, 0.000004 (1/250814 chromosomes (Genome Aggregation Database)), is consistent with pathogenicity. Based on the available information, this variant is classified as pathogenic.

All of Us Research Program, National Institutes of Health
Classification: Pathogenic for Breast-ovarian cancer, familial, susceptibility to, 1. Last evaluated: 2023-06-20. Review status: criteria provided, single submitter. Criteria: ACMG Guidelines, 2015. Collection method: clinical testing. Allele origin: germline. Inheritance: Autosomal dominant inheritance. Observed: 1 variant allele, 1 heterozygote. Not counted in ClinVar's aggregate classification.
Comment: This variant deletes 1 nucleotide in exon 10 of the BRCA1 gene, creating a frameshift and premature translation stop signal. This variant is expected to result in an absent or non-functional protein product. To our knowledge, functional studies have not been reported for this variant. This variant has been observed in multiple individuals and families affected with breast and ovarian cancer (PMID: 7837387, 10486320, 16912212, 20104584, 24728189, 25452441, 29446198). This variant has not been identified in the general population by the Genome Aggregation Database (gnomAD). Loss of BRCA1 function is a known mechanism of disease. Based on the available evidence, this variant is classified as Pathogenic.

This study involves interpretation of variants in research participants for the purpose of population health screening. Participant phenotype was not available at the time of variant classification. Additional details can be found in publication PMID: 35346344, PMCID: PMC8962531

GeneDx
Classification: Pathogenic. Last evaluated: 2022-12-12. Review status: criteria provided, single submitter. Criteria: GeneDx Variant Classification Process June 2021. Collection method: clinical testing. Allele origin: germline. Affected: yes. Not counted in ClinVar's aggregate classification.
Comment: Frameshift variant predicted to result in protein truncation or nonsense mediated decay in a gene for which loss of function is a known mechanism of disease; Observed in individuals with a personal or family history consistent with pathogenic variants in this gene (Simard et al., 1994; Gayther et al., 1999; Borg et al., 2010; Song et al., 2014; Couch et al., 2015); Not observed at significant frequency in large population cohorts (gnomAD); Truncating variants in this gene are considered pathogenic by a well-established clinical consortium and/or database; Also known as 3124del; This variant is associated with the following publications: (PMID: 14648706, 20104584, 34413315, 28888541, 30678073, 24728189, 10486320, 7894492, 25452441, 26295337, 29339979, 32050665)

Revvity Omics, Revvity
Classification: Pathogenic. Last evaluated: 2022-08-03. Review status: criteria provided, single submitter. Criteria: ACMG Guidelines, 2015. Collection method: clinical testing. Allele origin: germline. Not counted in ClinVar's aggregate classification.

Greenwood Genetic Center Diagnostic Laboratories, Greenwood Genetic Center
Classification: Pathogenic for Breast-ovarian cancer, familial, susceptibility to, 1. Last evaluated: 2021-10-15. Review status: criteria provided, single submitter. Criteria: ACMG Guidelines, 2015. Collection method: clinical testing. Allele origin: germline. Not counted in ClinVar's aggregate classification.
Comment: PVS1, PM2, PS4_Supporting

Color Diagnostics, LLC DBA Color Health
Classification: Pathogenic for Hereditary cancer-predisposing syndrome. Last evaluated: 2021-01-25. Review status: criteria provided, single submitter. Criteria: ACMG Guidelines, 2015. Collection method: clinical testing. Allele origin: germline. Not counted in ClinVar's aggregate classification.
Comment: This variant deletes 1 nucleotide in exon 10 of the BRCA1 gene, creating a frameshift and premature translation stop signal. This variant is expected to result in an absent or non-functional protein product. To our knowledge, functional studies have not been reported for this variant. This variant has been observed in multiple individuals and families affected with breast and ovarian cancer (PMID: 7837387, 10486320, 16912212, 20104584, 24728189, 25452441, 29446198). This variant has not been identified in the general population by the Genome Aggregation Database (gnomAD). Loss of BRCA1 function is a known mechanism of disease. Based on the available evidence, this variant is classified as Pathogenic.